The following is an entry in ClinVar:

NM_001303256.3(MORC2):c.2134C>T (p.Pro712Ser)

Gene: MORC2 (MORC family CW-type zinc finger 2; minus strand). Cytogenetic location: 22q12.2.
Variant type: single nucleotide variant.
Coding change: c.2134C>T on transcript NM_001303256.3 (MANE Select); coding-DNA position 2134, C replaced by T.
Protein change: p.Pro712Ser; replaces proline 712 with serine.
Molecular consequence: missense variant.
Genome position (GRCh38, 1-based): chr22:30,934,840, G>A on the plus strand (C>T on the coding strand, the complement: MORC2 is on the minus strand). VCF-style: chr22-30934840-G-A. GRCh37 (hg19) VCF-style: chr22-31330827-G-A.
Other names: c.2134C>T, p.Pro712Ser (NM_001303257.2); c.1948C>T, p.Pro650Ser (NM_014941.3); short protein forms P712S, P650S.
Identifiers: ClinVar variation 2970391 (VCV002970391.10), dbSNP rs1401272017, ClinGen allele CA411234540.

ClinVar aggregate classification (germline): Conflicting classifications of pathogenicity. Review status: criteria provided, conflicting classifications (1 of 4 stars). 2 submissions from 2 submitters: Uncertain significance (1); Likely benign (1). Last evaluated 2025-10-01.

Conditions:
Charcot-Marie-Tooth disease axonal type 2Z. Also called: CHARCOT-MARIE-TOOTH DISEASE, AXONAL, AUTOSOMAL DOMINANT, TYPE 2Z; CHARCOT-MARIE-TOOTH NEUROPATHY, TYPE 2Z. Identifiers: Orphanet 466768, MedGen C5569025, MONDO:0014736, OMIM 616688.

Allele frequency attached by ClinVar (database versions not stated): gnomAD exomes below 0.00001.
gnomAD v4.1: 4 of 1,614,184 alleles (0.00025%); highest among the groups gnomAD compares: Admixed American, 0.005%; no homozygotes.

Submissions (2):

CeGaT Center for Human Genetics Tuebingen
Classification: Likely benign. Last evaluated: 2025-10-01. Review status: criteria provided, single submitter. Criteria: CeGaT Center For Human Genetics Tuebingen Variant Classification Criteria Version 2. Collection method: clinical testing. Allele origin: germline. Affected: yes. Observed: 2 variant alleles.
Comment: MORC2: BP4

Labcorp Genetics (formerly Invitae), Labcorp
Classification: Uncertain significance for Charcot-Marie-Tooth disease axonal type 2Z. Last evaluated: 2023-06-15. Review status: criteria provided, single submitter. Criteria: Invitae Variant Classification Sherloc (09022015). Collection method: clinical testing. Allele origin: germline.
Comment: This variant has not been reported in the literature in individuals affected with MORC2-related conditions. This sequence change replaces proline, which is neutral and non-polar, with serine, which is neutral and polar, at codon 712 of the MORC2 protein (p.Pro712Ser). This variant is present in population databases (no rsID available, gnomAD 0.006%). Advanced modeling of protein sequence and biophysical properties (such as structural, functional, and spatial information, amino acid conservation, physicochemical variation, residue mobility, and thermodynamic stability) performed at Invitae indicates that this missense variant is not expected to disrupt MORC2 protein function. In summary, the available evidence is currently insufficient to determine the role of this variant in disease. Therefore, it has been classified as a Variant of Uncertain Significance.